The following is an entry in ClinVar:

ClinVar aggregate classification (germline): Pathogenic (1 of 4 stars; one submission).

Submission:

Labcorp Genetics (formerly Invitae), Labcorp
Classification: Pathogenic. Last evaluated: 2024-01-22. Review status: criteria provided, single submitter. Criteria: Invitae Variant Classification Sherloc (09022015). Collection method: clinical testing. Allele origin: germline.
Comment: This sequence change creates a premature translational stop signal (p.Gly2284*) in the ZNF469 gene. While this is not anticipated to result in nonsense mediated decay, it is expected to disrupt the last 1642 amino acid(s) of the ZNF469 protein. This variant is not present in population databases (gnomAD no frequency). This variant has not been reported in the literature in individuals affected with ZNF469-related conditions. Algorithms developed to predict the effect of sequence changes on RNA splicing suggest that this variant may create or strengthen a splice site. This variant disrupts a region of the ZNF469 protein in which other variant(s) (p.Arg3414Glyfs*59) have been determined to be pathogenic (PMID: 32671420). This suggests that this is a clinically significant region of the protein, and that variants that disrupt it are likely to be disease-causing. For these reasons, this variant has been classified as Pathogenic.

Literature cited by the submitters: PubMed 32671420.

NM_001367624.2(ZNF469):c.6934G>T (p.Gly2312Ter)

Gene: ZNF469 (zinc finger protein 469; plus strand). Cytogenetic location: 16q24.2.
Variant type: single nucleotide variant.
Coding change: c.6934G>T on transcript NM_001367624.2 (MANE Select); coding-DNA position 6934, G replaced by T.
Protein change: p.Gly2312Ter; replaces glycine 2312 with a stop codon.
Molecular consequence: nonsense.
Genome position (GRCh38, 1-based): chr16:88,434,404, G>T. VCF-style: chr16-88434404-G-T. GRCh37 (hg19) VCF-style: chr16-88500812-G-T.
Other names: short protein forms G2312*.
Identifiers: ClinVar variation 2710878 (VCV002710878.3), dbSNP rs2507594973, ClinGen allele CA397107812.
Genomic context (GRCh38, chr16:88,434,404, plus strand): 5'-CCCACCGGAGATGAGGCACAGGCAGGCAGGGGACTCCCAGGGCCAGACCCCCAGAGCAGG[G>T]GAGCCCCGCCCCACACCAACCCTGACAGGATGCCCAGGGGCCACTCCTCGTATTCTCCAA-3'